The following is an entry in ClinVar:

NM_173798.4(ZCCHC12):c.444T>C (p.Tyr148=)

Gene: ZCCHC12 (zinc finger CCHC-type containing 12; plus strand). Cytogenetic location: Xq24.
Variant type: single nucleotide variant.
Coding change: c.444T>C on transcript NM_173798.4 (MANE Select); coding-DNA position 444, T replaced by C.
Protein change: p.Tyr148=; no amino-acid change (tyrosine 148 retained).
Molecular consequence: synonymous variant.
Genome position (GRCh38, 1-based): chrX:118,825,688, T>C. VCF-style: chrX-118825688-T-C. GRCh37 (hg19) VCF-style: chrX-117959651-T-C.
Other names: c.444T>C, p.Tyr148= (NM_001312891.2).
Identifiers: ClinVar variation 2661277 (VCV002661277.24), dbSNP rs145334056, ClinGen allele CA10500270.

ClinVar aggregate classification (germline): Likely benign (1 of 4 stars; one submission).

Allele frequency attached by ClinVar (database versions not stated): TOPMed 0.00024; gnomAD 0.00027; ESP Exome Variant Server 0.00028; ExAC 0.00035.

Submission:

CeGaT Center for Human Genetics Tuebingen
Classification: Likely benign. Last evaluated: 2023-03-01. Review status: criteria provided, single submitter. Criteria: CeGaT Center For Human Genetics Tuebingen Variant Classification Criteria Version 2. Collection method: clinical testing. Allele origin: germline. Affected: yes. Observed: 3 variant alleles.
Comment: ZCCHC12: BP4, BP7, BS2